The following is an entry in ClinVar:

ClinVar aggregate classification (germline): Uncertain significance (1 of 4 stars; one submission).

Submission:

Labcorp Genetics (formerly Invitae), Labcorp
Classification: Uncertain significance. Last evaluated: 2022-08-09. Review status: criteria provided, single submitter. Criteria: Invitae Variant Classification Sherloc (09022015). Collection method: clinical testing. Allele origin: germline.
Comment: Algorithms developed to predict the effect of missense changes on protein structure and function are either unavailable or do not agree on the potential impact of this missense change (SIFT: "Deleterious"; PolyPhen-2: "Probably Damaging"; Align-GVGD: "Class C0"). This variant is not present in population databases (gnomAD no frequency). This variant has not been reported in the literature in individuals affected with SCP2-related conditions. ClinVar contains an entry for this variant (Variation ID: 1381766). In summary, the available evidence is currently insufficient to determine the role of this variant in disease. Therefore, it has been classified as a Variant of Uncertain Significance. This sequence change replaces aspartic acid, which is acidic and polar, with asparagine, which is neutral and polar, at codon 477 of the SCP2 protein (p.Asp477Asn).

NM_002979.5(SCP2):c.1429G>A (p.Asp477Asn)

Gene: SCP2 (sterol carrier protein 2; plus strand). Cytogenetic location: 1p32.3.
Variant type: single nucleotide variant.
Coding change: c.1429G>A on transcript NM_002979.5 (MANE Select); coding-DNA position 1429, G replaced by A.
Protein change: p.Asp477Asn; replaces aspartic acid 477 with asparagine.
Molecular consequence: missense variant. On other transcripts: intron variant (1).
Genome position (GRCh38, 1-based): chr1:53,039,007, G>A. VCF-style: chr1-53039007-G-A. GRCh37 (hg19) VCF-style: chr1-53504679-G-A.
Other names: c.217G>A, p.Asp73Asn (NM_001007099.3); c.208G>A, p.Asp70Asn (NM_001007100.3); c.1357G>A, p.Asp453Asn (NM_001193599.2); c.1297G>A, p.Asp433Asn (NM_001193600.2); c.1186G>A, p.Asp396Asn (NM_001193617.2); c.127-8851G>A (NM_001007250.3); short protein forms D453N, D70N, D73N, D433N, D396N, D477N.
Identifiers: ClinVar variation 1381766 (VCV001381766.6), dbSNP rs2150263577, ClinGen allele CA340379439.